The following is an entry in ClinVar:

ClinVar aggregate classification (germline): Uncertain significance. Review status: criteria provided, multiple submitters, no conflicts (2 of 4 stars). 3 submissions from 3 submitters: Uncertain significance (2). 1 of the submissions does not count toward it. Last evaluated 2021-04-28.

Conditions:
Congenital prothrombin deficiency. Also called: Inherited hypoprothrombinemia; Congenital factor II deficiency; Inherited prothrombin deficiency; Hereditary factor II deficiency disease; HYPOPROTHROMBINEMIA; Factor II deficiency. Identifiers: Orphanet 325, MedGen C0272317, MONDO:0013361, OMIM 613679.
Thrombophilia due to thrombin defect (THPH1). Also called: Thrombosis susceptibility; THROMBOPHILIA DUE TO FACTOR 2 DEFECT; Prothrombin-Related Thrombophilia (Factor II); Prothrombin Thrombophilia. Identifiers: MedGen C3160733, MONDO:0008559, OMIM 188050. Disease mechanism: gain of function, loss of function.

gnomAD v4.1: 11 of 1,613,918 alleles (0.00068%); highest among the groups gnomAD compares: Middle Eastern, 0.033%; no homozygotes.

Submissions (3):

Genomic Medicine Center of Excellence, King Faisal Specialist Hospital and Research Centre
Classification: Uncertain significance for Congenital prothrombin deficiency. Last evaluated: 2021-04-28. Review status: criteria provided, single submitter. Criteria: ACMG Guidelines, 2015. Collection method: research. Allele origin: germline.

GeneDx
Classification: Uncertain significance. Last evaluated: 2020-01-10. Review status: criteria provided, single submitter. Criteria: GeneDx Variant Classification Process June 2021. Collection method: clinical testing. Allele origin: germline. Affected: yes.
Comment: Not observed at a significant frequency in large population cohorts (Lek et al., 2016); In silico analysis, which includes protein predictors and evolutionary conservation, supports that this variant does not alter protein structure/function; Has not been previously published as pathogenic or benign to our knowledge

ISTH-SSC Genomics in Thrombosis and Hemostasis, KU Leuven, Center for Molecular and Vascular Biology
Classification: Uncertain significance for Thrombophilia due to thrombin defect. Review status: no assertion criteria provided. Collection method: research. Allele origin: unknown. Affected: yes. Not counted in ClinVar's aggregate classification.
Comment: Submitted to GoldVariant by Dr Karyn Mégy from NIHR Bioresource - Cambridge University, UK

NM_000506.5(F2):c.1598G>A (p.Arg533Gln)

Gene: F2 (coagulation factor II, thrombin; plus strand). Cytogenetic location: 11p11.2.
Variant type: single nucleotide variant.
Coding change: c.1598G>A on transcript NM_000506.5 (MANE Select); coding-DNA position 1598, G replaced by A.
Protein change: p.Arg533Gln; replaces arginine 533 with glutamine.
Molecular consequence: missense variant.
Genome position (GRCh38, 1-based): chr11:46,729,505, G>A. VCF-style: chr11-46729505-G-A. GRCh37 (hg19) VCF-style: chr11-46751055-G-A.
Other names: short protein forms R533Q.
Identifiers: ClinVar variation 1098524 (VCV001098524.5), dbSNP rs1361766713, ClinGen allele CA380271738.
Genomic context (GRCh38, chr11:46,729,505, plus strand): 5'-CCAACGTTGGTAAGGGGCAGCCCAGTGTCCTGCAGGTGGTGAACCTGCCCATTGTGGAGC[G>A]GCCGGTCTGCAAGGACTCCACCCGGATCCGCATCACTGACAACATGTTCTGTGCTGGCAA-3'
Protein context (NP_000497.1, residues 523-543): LQVVNLPIVE[Arg533Gln]PVCKDSTRIR